The following is an entry in ClinVar:

NM_000321.3(RB1):c.1985T>C (p.Leu662Pro)

Gene: RB1 (RB transcriptional corepressor 1; plus strand). Cytogenetic location: 13q14.2.
Variant type: single nucleotide variant.
Coding change: c.1985T>C on transcript NM_000321.3 (MANE Select); coding-DNA position 1985, T replaced by C.
Protein change: p.Leu662Pro; replaces leucine 662 with proline.
Molecular consequence: missense variant.
Genome position (GRCh38, 1-based): chr13:48,459,712, T>C. VCF-style: chr13-48459712-T-C. GRCh37 (hg19) VCF-style: chr13-49033848-T-C.
Other names: c.1985T>C, p.Leu662Pro (NM_001407165.1); short protein forms L662P.
Identifiers: ClinVar variation 3237052 (VCV003237052.1), dbSNP rs2542368024.

ClinVar aggregate classification (germline): Likely pathogenic (1 of 4 stars; one submission).

Conditions:
Retinoblastoma (RB1). Also called: RETINOBLASTOMA, SOMATIC. Identifiers: Orphanet 790, MedGen C0035335, MeSH D012175, MONDO:0008380, OMIM 180200, HP:0009919. Disease mechanism: loss of function. Inheritance: Both sporadic and heritable forms are tested..

Submission:

Genetic Diagnostic Laboratory, University of Pennsylvania School of Medicine
Classification: Likely pathogenic for Retinoblastoma. Last evaluated: 2024-05-20. Review status: criteria provided, single submitter. Criteria: ACMG Guidelines, 2015. Collection method: clinical testing. Allele origin: germline. Affected: yes. Observed: 1 variant allele.
Comment: Case and Pedigree Information: BILATERAL CASES:1, UNILATERAL CASES:0, TOTAL CASES:1, PEDIGREES:1. ACMG Codes Applied:PM1, PM2, PP1, PP3